The following is an entry in ClinVar:

NM_020800.3(IFT80):c.1069G>A (p.Val357Met)

Genes: TRIM59-IFT80 (TRIM59-IFT80 readthrough (NMD candidate); minus strand), IFT80 (intraflagellar transport 80; minus strand). Cytogenetic location: 3q25.33.
Variant type: single nucleotide variant.
Coding change: c.1069G>A on transcript NM_020800.3 (MANE Select); coding-DNA position 1069, G replaced by A.
Protein change: p.Val357Met; replaces valine 357 with methionine.
Molecular consequence: missense variant. On other transcripts: non-coding transcript variant (3).
Genome position (GRCh38, 1-based): chr3:160,307,670, C>T on the plus strand (G>A on the coding strand, the complement: IFT80 is on the minus strand). VCF-style: chr3-160307670-C-T. GRCh37 (hg19) VCF-style: chr3-160025458-C-T.
Other names: c.658G>A, p.Val220Met (NM_001190241.2, NM_001190242.2); short protein forms V357M, V220M.
Identifiers: ClinVar variation 343972 (VCV000343972.7), dbSNP rs530805244, ClinGen allele CA2685279.

ClinVar aggregate classification (germline): Uncertain significance. Review status: criteria provided, multiple submitters, no conflicts (2 of 4 stars). 2 submissions from 2 submitters: Uncertain significance (2). Last evaluated 2022-10-05.

Conditions:
Jeune thoracic dystrophy. Also called: Jeune syndrome; Infantile thoracic dystrophy; Thoracic pelvic phalangeal dystrophy; Jeune's syndrome; Chondroectodermal dysplasia-like syndrome; Short-rib thoracic dysplasia. Identifiers: Orphanet 474, MedGen C0265275, MONDO:0018770.
Asphyxiating thoracic dystrophy 2 (SRTD2). Also called: SHORT-RIB THORACIC DYSPLASIA 2 WITH OR WITHOUT POLYDACTYLY; SHORT-RIB THORACIC DYSPLASIA 2 WITH POLYDACTYLY; SHORT-RIB THORACIC DYSPLASIA 2 WITHOUT POLYDACTYLY. Identifiers: Orphanet 474, MedGen C1970005, MONDO:0012644, OMIM 611263.

Allele frequency attached by ClinVar (database versions not stated): ExAC 0.00001; gnomAD 0.00001; gnomAD exomes 0.00001 and 0.00002; 1000 Genomes Project 30x 0.00016; 1000 Genomes Project 0.00020.

Submissions (2):

Labcorp Genetics (formerly Invitae), Labcorp
Classification: Uncertain significance for Jeune thoracic dystrophy. Last evaluated: 2022-10-05. Review status: criteria provided, single submitter. Criteria: Invitae Variant Classification Sherloc (09022015). Collection method: clinical testing. Allele origin: germline.
Comment: This sequence change replaces valine, which is neutral and non-polar, with methionine, which is neutral and non-polar, at codon 357 of the IFT80 protein (p.Val357Met). This variant is present in population databases (rs530805244, gnomAD 0.01%). This variant has not been reported in the literature in individuals affected with IFT80-related conditions. ClinVar contains an entry for this variant (Variation ID: 343972). Advanced modeling of protein sequence and biophysical properties (such as structural, functional, and spatial information, amino acid conservation, physicochemical variation, residue mobility, and thermodynamic stability) performed at Invitae indicates that this missense variant is not expected to disrupt IFT80 protein function. In summary, the available evidence is currently insufficient to determine the role of this variant in disease. Therefore, it has been classified as a Variant of Uncertain Significance.

Illumina Laboratory Services, Illumina
Classification: Uncertain significance for Asphyxiating thoracic dystrophy 2. Last evaluated: 2018-01-12. Review status: criteria provided, single submitter. Criteria: ICSL Variant Classification Criteria 13 December 2019. Collection method: clinical testing. Allele origin: germline.